The following is an entry in ClinVar:

ClinVar aggregate classification (germline): Uncertain significance. Review status: criteria provided, multiple submitters, no conflicts (2 of 4 stars). 3 submissions from 3 submitters: Uncertain significance (3). Last evaluated 2021-07-15.

Conditions:
Peutz-Jeghers syndrome (PJS). Also called: POLYPOSIS, HAMARTOMATOUS INTESTINAL; POLYPS-AND-SPOTS SYNDROME; Peutz-Jeghers polyposis; Periorificial lentiginosis syndrome. Identifiers: Orphanet 2869, MedGen C0031269, MeSH D010580, MONDO:0008280, OMIM 175200.

Submissions (3):

Genome-Nilou Lab
Classification: Uncertain significance for Peutz-Jeghers syndrome. Last evaluated: 2021-07-15. Review status: criteria provided, single submitter. Criteria: ACMG Guidelines, 2015. Collection method: clinical testing. Allele origin: germline. Affected: no.

GeneDx
Classification: Uncertain significance. Last evaluated: 2020-02-10. Review status: criteria provided, single submitter. Criteria: GeneDx Variant Classification Process June 2021. Collection method: clinical testing. Allele origin: germline. Affected: yes.
Comment: Not observed in large population cohorts (Lek 2016); In silico analysis supports that this missense variant has a deleterious effect on protein structure/function; Has not been previously published as pathogenic or benign to our knowledge

Quest Diagnostics Nichols Institute San Juan Capistrano
Classification: Uncertain significance. Last evaluated: 2020-01-03. Review status: criteria provided, single submitter. Criteria: Quest Diagnostics criteria. Collection method: clinical testing. Allele origin: unknown.

NM_000455.5(STK11):c.673G>A (p.Ala225Thr)

Gene: STK11 (serine/threonine kinase 11; plus strand). Cytogenetic location: 19p13.3.
Variant type: single nucleotide variant.
Coding change: c.673G>A on transcript NM_000455.5 (MANE Select); coding-DNA position 673, G replaced by A.
Protein change: p.Ala225Thr; replaces alanine 225 with threonine.
Molecular consequence: missense variant.
Genome position (GRCh38, 1-based): chr19:1,220,656, G>A. VCF-style: chr19-1220656-G-A. GRCh37 (hg19) VCF-style: chr19-1220655-G-A.
Other names: short protein forms A225T.
Identifiers: ClinVar variation 993154 (VCV000993154.5), dbSNP rs2080776680, ClinGen allele CA402949731.